The following is an entry in ClinVar:

ClinVar aggregate classification (germline): Uncertain significance (1 of 4 stars; one submission).

Conditions:
Emery-Dreifuss muscular dystrophy 5, autosomal dominant (EDMD5). Also called: EMERY-DREIFUSS MUSCULAR DYSTROPHY 5. Identifiers: Orphanet 261, MedGen C2751805, MONDO:0013072, OMIM 612999.

Allele frequency attached by ClinVar (database versions not stated): gnomAD exomes below 0.00001.
gnomAD v4.1: 1 of 1,613,676 alleles (0.000062%); highest among the groups gnomAD compares: Non-Finnish European, 0.000085%; no homozygotes.

Submission:

Labcorp Genetics (formerly Invitae), Labcorp
Classification: Uncertain significance for Emery-Dreifuss muscular dystrophy 5, autosomal dominant. Last evaluated: 2024-03-25. Review status: criteria provided, single submitter. Criteria: Invitae Variant Classification Sherloc (09022015). Collection method: clinical testing. Allele origin: germline.
Comment: This sequence change replaces serine, which is neutral and polar, with threonine, which is neutral and polar, at codon 787 of the SYNE2 protein (p.Ser787Thr). This variant is not present in population databases (gnomAD no frequency). This variant has not been reported in the literature in individuals affected with SYNE2-related conditions. Algorithms developed to predict the effect of missense changes on protein structure and function output the following: SIFT: "Not Available"; PolyPhen-2: "Benign"; Align-GVGD: "Not Available". The threonine amino acid residue is found in multiple mammalian species, which suggests that this missense change does not adversely affect protein function. In summary, the available evidence is currently insufficient to determine the role of this variant in disease. Therefore, it has been classified as a Variant of Uncertain Significance.

NM_182914.3(SYNE2):c.2360G>C (p.Ser787Thr)

Gene: SYNE2 (spectrin repeat containing nuclear envelope protein 2; plus strand). Cytogenetic location: 14q23.2.
Variant type: single nucleotide variant.
Coding change: c.2360G>C on transcript NM_182914.3 (MANE Select); coding-DNA position 2360, G replaced by C.
Protein change: p.Ser787Thr; replaces serine 787 with threonine.
Molecular consequence: missense variant.
Genome position (GRCh38, 1-based): chr14:63,990,457, G>C. VCF-style: chr14-63990457-G-C. GRCh37 (hg19) VCF-style: chr14-64457175-G-C.
Other names: c.2360G>C, p.Ser787Thr (NM_015180.6); short protein forms S787T.
Identifiers: ClinVar variation 2878409 (VCV002878409.3), dbSNP rs2550919314, ClinGen allele CA389973727.